The following is an entry in ClinVar:

NM_000152.5(GAA):c.2189+884G>A

Gene: GAA (alpha glucosidase; plus strand). Cytogenetic location: 17q25.3.
Variant type: single nucleotide variant.
Coding change: c.2189+884G>A on transcript NM_000152.5 (MANE Select); 884 bases into the intron after coding-DNA position 2189, G replaced by A.
Molecular consequence: intron variant.
Genome position (GRCh38, 1-based): chr17:80,114,250, G>A. VCF-style: chr17-80114250-G-A. GRCh37 (hg19) VCF-style: chr17-78088049-G-A.
Other names: c.2189+884G>A (NM_001406741.1, NM_001406742.1, NM_001079803.3 and 1 more transcripts).
Identifiers: ClinVar variation 4876369 (VCV004876369.1).

ClinVar aggregate classification (germline): Benign (1 of 4 stars; one submission).

Conditions:
Glycogen storage disease, type II (IOPD). Also called: Pompe Disease; CARDIOMEGALIA GLYCOGENICA DIFFUSA; GLYCOGENOSIS, GENERALIZED, CARDIAC FORM; GSD II; POMPE DISEASE, INFANTILE-ONSET; GLYCOGEN STORAGE DISEASE II, INFANTILE-ONSET. Identifiers: Orphanet 365, MedGen C0017921, MONDO:0009290, OMIM 232300.

gnomAD v4.1: 8,835 of 152,168 alleles (5.8%); highest among the groups gnomAD compares: South Asian, 15%; 498 homozygotes.

Submission:

Genomenon, Inc
Classification: Benign for Glycogen storage disease, type II. Last evaluated: 2026-07-01. Review status: criteria provided, single submitter. Criteria: Genomenon Sequence Variant Interpretation Standards - Updated. Collection method: curation. Allele origin: germline. Affected: no.
Comment: GAA c.2189+884G>A is an intronic variant located in intron 15. This variant is present at high allele frequency in population databases. We classify GAA c.2189+884G>A as a benign variant.